The following is an entry in ClinVar:

NM_138715.3(MSR1):c.-4-1G>A

Gene: MSR1 (macrophage scavenger receptor 1; minus strand). Cytogenetic location: 8p22.
Variant type: single nucleotide variant.
Coding change: c.-4-1G>A on transcript NM_138715.3 (MANE Select); the canonical splice acceptor site of the intron before 4 bases upstream of the start codon, G replaced by A.
Molecular consequence: splice acceptor variant.
Genome position (GRCh38, 1-based): chr8:16,177,993, C>T on the plus strand (G>A on the coding strand, the complement: MSR1 is on the minus strand). VCF-style: chr8-16177993-C-T. GRCh37 (hg19) VCF-style: chr8-16035502-C-T.
Other names: NC_000008.10:g.16035502C>T; c.-4-1G>A (NM_138716.3, NM_002445.4); c.51-1G>A (NM_001363744.1).
Identifiers: ClinVar variation 4345075 (VCV004345075.2).
Genomic context (GRCh38, chr8:16,177,993, plus strand): 5'-TCGGAGCAGCTATCAGTGTCCTCCTGTTGATTGTGAAAGTGATCCCACTGCTCCATACTT[C>T]TATGAAACAAAATGGAAAAATATATTAATTCCACATGAAATGGCTAGGGCTCTTTTGCAT-3'

ClinVar aggregate classification (germline): Uncertain significance (1 of 4 stars; one submission).

Conditions:
Carcinoma of esophagus. Also called: Oesophageal carcinoma; Esophageal carcinoma. Identifiers: Orphanet 70482, MedGen C0152018, MONDO:0019086, HP:0011459.

Submissions (2):

Department of Genomics, ADN Uruguay
Classification: Uncertain significance for Carcinoma of esophagus. Last evaluated: 2024-06-27. Review status: criteria provided, single submitter. Criteria: Assertion Criteria Germline. Collection method: clinical testing. Allele origin: germline. Inheritance: Autosomal dominant inheritance. Affected: yes. Observed: 1 variant allele.
Comment: The MSR1 c.-4-1G>A splice-acceptor variant may disrupt normal splicing near exon 1. It is rare in population databases (gnomAD = 0.00086) (PM2_supporting), but there is insufficient functional or clinical evidence for pathogenicity. Classified as Variant of Uncertain Significance (VUS) per ACMG/AMP guidelines (PM2_supporting, BP4).

Dr. Peter K. Rogan Lab, Western University
No classification provided (evidence only). Condition: Colon adenocarcinoma. Review status: no classification provided. Collection method: in vitro. Allele origin: not applicable. Functional consequence: retained intron. Not counted in ClinVar's aggregate classification.

Literature cited by the submitters: PubMed 26046366 (cited by Department of Genomics, ADN Uruguay).